The following is an entry in ClinVar:

NM_006440.5(TXNRD2):c.775-1G>A

Gene: TXNRD2 (thioredoxin reductase 2; minus strand). Cytogenetic location: 22q11.21.
Variant type: single nucleotide variant.
Coding change: c.775-1G>A on transcript NM_006440.5 (MANE Select); the canonical splice acceptor site of the intron before coding-DNA position 775, G replaced by A.
Molecular consequence: splice acceptor variant.
Genome position (GRCh38, 1-based): chr22:19,895,582, C>T on the plus strand (G>A on the coding strand, the complement: TXNRD2 is on the minus strand). VCF-style: chr22-19895582-C-T. GRCh37 (hg19) VCF-style: chr22-19883105-C-T.
Other names: c.772-1G>A (NM_001352300.2); c.487-1G>A (NM_001352302.2); c.685-1G>A (NM_001352301.2); c.775-1G>A (NM_001282512.3); c.679-1G>A (NM_001352303.2).
Identifiers: ClinVar variation 1523747 (VCV001523747.6), dbSNP rs2145970512, ClinGen allele CA410686802.

ClinVar aggregate classification (germline): Uncertain significance (1 of 4 stars; one submission).

Conditions:
Primary dilated cardiomyopathy (DCM). Also called: Dilated Cardiomyopathy. Identifiers: Orphanet 217604, MedGen C0007193, MeSH D002311, MONDO:0005021, HP:0001644. Inheritance: Various modes of inheritance.

Allele frequency attached by ClinVar (database versions not stated): gnomAD exomes below 0.00001.
gnomAD v4.1: 1 of 1,610,312 alleles (0.000062%); highest among the groups gnomAD compares: East Asian, 0.0022%; no homozygotes.

Submission:

Labcorp Genetics (formerly Invitae), Labcorp
Classification: Uncertain significance for Primary dilated cardiomyopathy. Last evaluated: 2021-10-08. Review status: criteria provided, single submitter. Criteria: Invitae Variant Classification Sherloc (09022015). Collection method: clinical testing. Allele origin: germline.
Comment: In summary, the available evidence is currently insufficient to determine the role of this variant in disease. Therefore, it has been classified as a Variant of Uncertain Significance. Algorithms developed to predict the effect of sequence changes on RNA splicing suggest that this variant may disrupt the consensus splice site. This variant has not been reported in the literature in individuals affected with TXNRD2-related conditions. This variant is not present in population databases (ExAC no frequency). This sequence change affects an acceptor splice site in intron 10 of the TXNRD2 gene. It is expected to disrupt RNA splicing. Variants that disrupt the donor or acceptor splice site typically lead to a loss of protein function (PMID: 16199547), however the current clinical and genetic evidence is not sufficient to establish whether loss-of-function variants in TXNRD2 cause disease.

Literature cited by the submitters: PubMed 16199547.